The following is an entry in ClinVar:

ClinVar aggregate classification (germline): Uncertain significance (1 of 4 stars; one submission).

Conditions:
Inborn genetic diseases. Identifiers: MedGen C0950123, MeSH D030342.

Submission:

Ambry Genetics
Classification: Uncertain significance for Inborn genetic diseases. Last evaluated: 2025-12-24. Review status: criteria provided, single submitter. Criteria: Ambry Variant Classification Scheme 2023. Collection method: clinical testing. Allele origin: germline.
Comment: The p.C1041Y variant (also known as c.3122G>A), located in coding exon 24 of the ANKRD26 gene, results from a G to A substitution at nucleotide position 3122. The cysteine at codon 1041 is replaced by tyrosine, an amino acid with highly dissimilar properties. This amino acid position is conserved. In addition, this alteration is predicted to be tolerated by in silico analysis. Based on the available evidence, the clinical significance of this variant remains unclear.

NM_014915.3(ANKRD26):c.3122G>A (p.Cys1041Tyr)

Gene: ANKRD26 (ankyrin repeat domain 26; minus strand). Cytogenetic location: 10p12.1.
Variant type: single nucleotide variant.
Coding change: c.3122G>A on transcript NM_014915.3 (MANE Select); coding-DNA position 3122, G replaced by A.
Protein change: p.Cys1041Tyr; replaces cysteine 1041 with tyrosine.
Molecular consequence: missense variant.
Genome position (GRCh38, 1-based): chr10:27,035,328, C>T on the plus strand (G>A on the coding strand, the complement: ANKRD26 is on the minus strand). VCF-style: chr10-27035328-C-T. GRCh37 (hg19) VCF-style: chr10-27324257-C-T.
Other names: c.3119G>A, p.Cys1040Tyr (NM_001256053.2); short protein forms C1041Y, C1040Y.
Identifiers: ClinVar variation 4842343 (VCV004842343.1).